The following is an entry in ClinVar:

NM_013382.7(POMT2):c.547+201T>C

Gene: POMT2 (protein O-mannosyltransferase 2; minus strand). Cytogenetic location: 14q24.3.
Variant type: single nucleotide variant.
Coding change: c.547+201T>C on transcript NM_013382.7 (MANE Select); 201 bases into the intron after coding-DNA position 547, T replaced by C.
Molecular consequence: intron variant.
Genome position (GRCh38, 1-based): chr14:77,304,491, A>G on the plus strand (T>C on the coding strand, the complement: POMT2 is on the minus strand). VCF-style: chr14-77304491-A-G. GRCh37 (hg19) VCF-style: chr14-77770834-A-G.
Identifiers: ClinVar variation 668032 (VCV000668032.2), dbSNP rs3815626, ClinGen allele CA14043054.
Genomic context (GRCh38, chr14:77,304,491, plus strand): 5'-CGTGAATAACGTGGAGGTAAATCTATTCCTTGGGATTACCCACGCCGATTCTCCCCTCCA[A>G]TAATATAAAGGCTTGTTATATATAACTATTGATATACATTAAGTATTACTAGTGAATGAG-3'

ClinVar aggregate classification (germline): Benign. Review status: criteria provided, multiple submitters, no conflicts (2 of 4 stars). 2 submissions from 2 submitters: Benign (2). Last evaluated 2018-06-14.

Allele frequency attached by ClinVar (database versions not stated): 1000 Genomes Project 30x 0.31683; 1000 Genomes Project 0.31909; TOPMed 0.32118; gnomAD 0.32806 and 0.33147.
gnomAD v4.1: 49,827 of 152,100 alleles (33%); highest among the groups gnomAD compares: East Asian, 45%; 8,353 homozygotes.

Submissions (2):

GeneDx
Classification: Benign. Last evaluated: 2018-06-14. Review status: criteria provided, single submitter. Criteria: GeneDx Variant Classification (06012015). Collection method: clinical testing. Allele origin: germline. Affected: yes.
Comment: This variant is considered likely benign or benign based on one or more of the following criteria: it is a conservative change, it occurs at a poorly conserved position in the protein, it is predicted to be benign by multiple in silico algorithms, and/or has population frequency not consistent with disease.

Breakthrough Genomics
Classification: Benign. Review status: criteria provided, single submitter. Criteria: ACMG Guidelines, 2015. Collection method: not provided. Allele origin: germline. Inheritance: Autosomal recessive inheritance. Affected: yes.